The following is an entry in ClinVar:

ClinVar aggregate classification (germline): Uncertain significance (1 of 4 stars; one submission).

gnomAD v4.1: 1 of 1,613,458 alleles (0.000062%); highest among the groups gnomAD compares: Admixed American, 0.0017%; no homozygotes.

Submission:

Women's Health and Genetics/Laboratory Corporation of America, LabCorp
Classification: Uncertain significance. Last evaluated: 2025-03-19. Review status: criteria provided, single submitter. Criteria: LabCorp Variant Classification Summary - May 2015. Collection method: clinical testing. Allele origin: germline.
Comment: Variant summary: CREBBP c.2858A>G (p.His953Arg) results in a non-conservative amino acid change in the encoded protein sequence. Three of five in-silico tools predict a benign effect of the variant on protein function. The variant was absent in 250620 control chromosomes. The available data on variant occurrences in the general population are insufficient to allow any conclusion about variant significance. To our knowledge, no occurrence of c.2858A>G in individuals affected with Rubinstein-Taybi Syndrome and no experimental evidence demonstrating its impact on protein function have been reported. No submitters have cited clinical-significance assessments for this variant to ClinVar. Based on the evidence outlined above, the variant was classified as uncertain significance.

NM_004380.3(CREBBP):c.2858A>G (p.His953Arg)

Gene: CREBBP (CREB binding protein; minus strand). Cytogenetic location: 16p13.3.
Variant type: single nucleotide variant.
Coding change: c.2858A>G on transcript NM_004380.3 (MANE Select); coding-DNA position 2858, A replaced by G.
Protein change: p.His953Arg; replaces histidine 953 with arginine.
Molecular consequence: missense variant.
Genome position (GRCh38, 1-based): chr16:3,770,592, T>C on the plus strand (A>G on the coding strand, the complement: CREBBP is on the minus strand). VCF-style: chr16-3770592-T-C. GRCh37 (hg19) VCF-style: chr16-3820593-T-C.
Other names: c.2744A>G, p.His915Arg (NM_001079846.1); short protein forms H915R, H953R.
Identifiers: ClinVar variation 3896106 (VCV003896106.1).
Genomic context (GRCh38, chr16:3,770,592, plus strand): 5'-AGTCTTGGCCCAAAAACAGCAGAGACAGAGAGGCTTACCGGTGTGCCAGGAGGCTGGGCG[T>C]GCACAGGCGTCGGCTGTTGCTGCGATGACTGAGGGGTAGCCACAGACGGGGGCTGAACTG-3'
Protein context (NP_004371.2, residues 943-963): QSSQQQPTPV[His953Arg]AQPPGTPLSQ